The following is an entry in ClinVar:

ClinVar aggregate classification (germline): Likely pathogenic (1 of 4 stars; one submission).

Conditions:
Autosomal recessive limb-girdle muscular dystrophy type 2J (LGMDR10). Also called: Limb-girdle muscular dystrophy, type 2J; MUSCULAR DYSTROPHY, LIMB-GIRDLE, AUTOSOMAL RECESSIVE 10. Identifiers: Orphanet 140922, MedGen C1837342, MONDO:0012127, OMIM 608807.
Dilated cardiomyopathy 1G (CMD1G). Identifiers: Orphanet 154, MedGen C1858763, MONDO:0011400, OMIM 604145.

Submission:

Labcorp Genetics (formerly Invitae), Labcorp
Classification: Likely pathogenic for Dilated cardiomyopathy 1G; Autosomal recessive limb-girdle muscular dystrophy type 2J. Last evaluated: 2024-10-18. Review status: criteria provided, single submitter. Criteria: Invitae Variant Classification Sherloc (09022015). Collection method: clinical testing. Allele origin: germline.
Comment: This sequence change creates a premature translational stop signal (p.Gln14862*) in the TTN gene. While this is not anticipated to result in nonsense mediated decay, it is expected to create a truncated TTN protein. This variant is not present in population databases (gnomAD no frequency). This variant has not been reported in the literature in individuals affected with TTN-related conditions. ClinVar contains an entry for this variant (Variation ID: 2020665). This variant is located in the I band of TTN (PMID: 25589632). Truncating variants in this region have been reported in individuals affected with autosomal recessive centronuclear myopathy (PMID: 23975875, internal data). Truncating variants in this region have also been identified in individuals affected with autosomal dominant dilated cardiomyopathy and/or cardio-related conditions (PMID: 27869827, 32964742, internal data). In summary, the currently available evidence indicates that the variant is pathogenic, but additional data are needed to prove that conclusively. Therefore, this variant has been classified as Likely Pathogenic.

Literature cited by the submitters: PubMed 25589632; PubMed 23975875; PubMed 27869827; PubMed 32964742.

NM_001267550.2(TTN):c.44584C>T (p.Gln14862Ter)

Gene: TTN (titin; minus strand). Cytogenetic location: 2q31.2.
Variant type: single nucleotide variant.
Coding change: c.44584C>T on transcript NM_001267550.2 (MANE Select); coding-DNA position 44584, C replaced by T.
Protein change: p.Gln14862Ter; replaces glutamine 14862 with a stop codon.
Molecular consequence: nonsense.
Genome position (GRCh38, 1-based): chr2:178,624,696, G>A on the plus strand (C>T on the coding strand, the complement: TTN is on the minus strand). VCF-style: chr2-178624696-G-A. GRCh37 (hg19) VCF-style: chr2-179489423-G-A.
Other names: c.39661C>T, p.Gln13221Ter (NM_001256850.1); c.17389C>T, p.Gln5797Ter (NM_003319.4); c.36880C>T, p.Gln12294Ter (NM_133378.4); c.17764C>T, p.Gln5922Ter (NM_133432.3); c.17965C>T, p.Gln5989Ter (NM_133437.4); short protein forms Q5922*, Q13221*, Q5797*, Q12294*, Q14862*, Q5989*.
Identifiers: ClinVar variation 2020665 (VCV002020665.4), dbSNP rs2471169863, ClinGen allele CA349641146.
Genomic context (GRCh38, chr2:178,624,696, plus strand): 5'-TAGCATTTTCTCTGGAGACTTCACACTCCAGCACTGCAGTGGCTCCCTCTTCGACCGTCT[G>A]GTCCTCAAGAGGCTTAGTGAATTCAACTGGGGGTTCTGAAAGAATCATACTCATTAGCCA-3'